The following is an entry in ClinVar:

NM_002109.6(HARS1):c.795C>G (p.Asp265Glu)

Gene: HARS1 (histidyl-tRNA synthetase 1; minus strand). Cytogenetic location: 5q31.3.
Variant type: single nucleotide variant.
Coding change: c.795C>G on transcript NM_002109.6 (MANE Select); coding-DNA position 795, C replaced by G.
Protein change: p.Asp265Glu; replaces aspartic acid 265 with glutamic acid.
Molecular consequence: missense variant.
Genome position (GRCh38, 1-based): chr5:140,677,355, G>C on the plus strand (C>G on the coding strand, the complement: HARS1 is on the minus strand). VCF-style: chr5-140677355-G-C. GRCh37 (hg19) VCF-style: chr5-140056940-G-C.
Other names: c.675C>G, p.Asp225Glu (NM_001258040.3); c.735C>G, p.Asp245Glu (NM_001258041.3); c.615C>G, p.Asp205Glu (NM_001258042.3); c.573C>G, p.Asp191Glu (NM_001289092.2); c.453C>G, p.Asp151Glu (NM_001289093.2); c.708C>G, p.Asp236Glu (NM_001289094.2); short protein forms D151E, D205E, D225E, D265E, D236E, D191E, D245E.
Identifiers: ClinVar variation 970454 (VCV000970454.9), dbSNP rs1050247, ClinGen allele CA3443992.

ClinVar aggregate classification (germline): Uncertain significance (1 of 4 stars; one submission).

Conditions:
Usher syndrome type 3B. Also called: USHER SYNDROME, TYPE IIIB. Identifiers: MedGen C3281066, MONDO:0013788, OMIM 614504.

Allele frequency attached by ClinVar (database versions not stated): TOPMed below 0.00001; ExAC 0.00001.

Submission:

Labcorp Genetics (formerly Invitae), Labcorp
Classification: Uncertain significance for Usher syndrome type 3B. Last evaluated: 2025-02-01. Review status: criteria provided, single submitter. Criteria: Invitae Variant Classification Sherloc (09022015). Collection method: clinical testing. Allele origin: germline.
Comment: This sequence change replaces aspartic acid, which is acidic and polar, with glutamic acid, which is acidic and polar, at codon 265 of the HARS protein (p.Asp265Glu). This variant is not present in population databases (gnomAD no frequency). This variant has not been reported in the literature in individuals affected with HARS-related conditions. ClinVar contains an entry for this variant (Variation ID: 970454). Invitae Evidence Modeling of protein sequence and biophysical properties (such as structural, functional, and spatial information, amino acid conservation, physicochemical variation, residue mobility, and thermodynamic stability) indicates that this missense variant is not expected to disrupt HARS protein function with a negative predictive value of 80%. In summary, the available evidence is currently insufficient to determine the role of this variant in disease. Therefore, it has been classified as a Variant of Uncertain Significance.